The following is an entry in ClinVar:

NM_000061.3(BTK):c.1864del (p.Ala622fs)

Gene: BTK (Bruton tyrosine kinase; minus strand). Cytogenetic location: Xq22.1.
Variant type: Deletion.
Coding change: c.1864del on transcript NM_000061.3 (MANE Select); coding-DNA position 1864, one base deleted (G; older notation c.1864delG).
Protein change: p.Ala622fs; shifts the reading frame from alanine 622.
Molecular consequence: frameshift variant.
Genome position (GRCh38, 1-based): chrX:101,353,238, C deleted on the plus strand (G on the coding strand, the reverse complement: BTK is on the minus strand); the first of 2 consecutive C bases (chrX:101,353,238-101,353,239); deleting either gives the same sequence. VCF-style (leftmost placement, unchanged base first): chrX-101353237-GC-G. GRCh37 (hg19) VCF-style: chrX-100608225-GC-G.
Other names: c.1966del, p.Ala656fs (NM_001287344.2); c.1336del, p.Ala446fs (NM_001287345.2); short protein forms A446fs, A622fs, A656fs.
Identifiers: ClinVar variation 2138635 (VCV002138635.4), dbSNP rs2520527377, ClinGen allele CA2580100131.

ClinVar aggregate classification (germline): Pathogenic (1 of 4 stars; one submission).

Conditions:
X-linked agammaglobulinemia with growth hormone deficiency (IGHD3). Also called: FLEISHER SYNDROME; HYPOGAMMAGLOBULINEMIA AND ISOLATED GROWTH HORMONE DEFICIENCY, X-LINKED; IGHD III; AGAMMAGLOBULINEMIA AND ISOLATED GROWTH HORMONE DEFICIENCY, X-LINKED; Isolated growth hormone deficiency type 3; Growth hormone deficiency with hypogammaglobulinemia. Identifiers: Orphanet 231692, Orphanet 631, MedGen C0472813, MONDO:0010615, OMIM 307200.

Submission:

Labcorp Genetics (formerly Invitae), Labcorp
Classification: Pathogenic for X-linked agammaglobulinemia with growth hormone deficiency. Last evaluated: 2021-12-20. Review status: criteria provided, single submitter. Criteria: Invitae Variant Classification Sherloc (09022015). Collection method: clinical testing. Allele origin: germline.
Comment: This sequence change creates a premature translational stop signal (p.Ala622Leufs*27) in the BTK gene. While this is not anticipated to result in nonsense mediated decay, it is expected to disrupt the last 38 amino acid(s) of the BTK protein. This variant is not present in population databases (gnomAD no frequency). This variant has not been reported in the literature in individuals affected with BTK-related conditions. This variant disrupts a region of the BTK protein in which other variant(s) (p.Leu647Phe) have been determined to be pathogenic (PMID: 11472359, 25777788, 29424453). This suggests that this is a clinically significant region of the protein, and that variants that disrupt it are likely to be disease-causing. For these reasons, this variant has been classified as Pathogenic.

Literature cited by the submitters: PubMed 11472359; PubMed 25777788; PubMed 29424453.